The following is an entry in ClinVar:

NM_001267550.2(TTN):c.5296G>A (p.Val1766Ile)

Gene: TTN (titin; minus strand). Cytogenetic location: 2q31.2.
Variant type: single nucleotide variant.
Coding change: c.5296G>A on transcript NM_001267550.2 (MANE Select); coding-DNA position 5296, G replaced by A.
Protein change: p.Val1766Ile; replaces valine 1766 with isoleucine.
Molecular consequence: missense variant.
Genome position (GRCh38, 1-based): chr2:178,776,568, C>T on the plus strand (G>A on the coding strand, the complement: TTN is on the minus strand). VCF-style: chr2-178776568-C-T. GRCh37 (hg19) VCF-style: chr2-179641295-C-T.
Other names: c.5296G>A, p.Val1766Ile (NM_001256850.1, NM_133378.4, NM_133379.5); c.5158G>A, p.Val1720Ile (NM_003319.4, NM_133432.3, NM_133437.4); short protein forms V1766I, V1720I.
Identifiers: ClinVar variation 506505 (VCV000506505.8), dbSNP rs149494502, ClinGen allele CA2005200.

ClinVar aggregate classification (germline): Conflicting classifications of pathogenicity. Review status: criteria provided, conflicting classifications (1 of 4 stars). 4 submissions from 4 submitters: Uncertain significance (2); Likely benign (2). Last evaluated 2026-07-01.

Conditions:
TTN-related disorder. Also called: TTN-related condition; TTN-related disease; TTN-related disorders.

Allele frequency attached by ClinVar (database versions not stated): ExAC 0.00004; gnomAD 0.00005; gnomAD exomes 0.00005; TOPMed 0.00009; ESP Exome Variant Server 0.00015.
gnomAD v4.1: 57 of 1,613,160 alleles (0.0035%); highest among the groups gnomAD compares: African/African-American, 0.024%; no homozygotes.

Submissions (4):

PreventionGenetics, part of Exact Sciences
Classification: Uncertain significance for TTN-related condition. Last evaluated: 2026-07-01. Review status: criteria provided, single submitter. Criteria: ACMG Guidelines, 2015. Collection method: clinical testing. Allele origin: germline.
Comment: The TTN c.5296G>A variant is predicted to result in the amino acid substitution p.Val1766Ile. To our knowledge, this variant has not been reported in the literature. This variant is reported in 0.024% of alleles in individuals of African descent in gnomAD. At this time, the clinical significance of this variant is uncertain due to the absence of conclusive functional and genetic evidence.

Molecular Diagnostic Laboratory for Inherited Cardiovascular Disease, Montreal Heart Institute
Classification: Likely benign. Last evaluated: 2025-04-09. Review status: criteria provided, single submitter. Criteria: ACMG Guidelines, 2015. Collection method: clinical testing. Allele origin: germline. Affected: no.
Comment: BP1

GeneDx
Classification: Likely benign. Last evaluated: 2020-10-02. Review status: criteria provided, single submitter. Criteria: GeneDx Variant Classification Process June 2021. Collection method: clinical testing. Allele origin: germline. Affected: yes.

Revvity Omics, Revvity
Classification: Uncertain significance. Last evaluated: 2019-02-26. Review status: criteria provided, single submitter. Criteria: ACMG Guidelines, 2015. Collection method: clinical testing. Allele origin: germline.